The following is an entry in ClinVar:

NM_032199.3(ARID5B):c.1439G>A (p.Ser480Asn)

Gene: ARID5B (AT-rich interaction domain 5B; plus strand). Cytogenetic location: 10q21.2.
Variant type: single nucleotide variant.
Coding change: c.1439G>A on transcript NM_032199.3 (MANE Select); coding-DNA position 1439, G replaced by A.
Protein change: p.Ser480Asn; replaces serine 480 with asparagine.
Molecular consequence: missense variant.
Genome position (GRCh38, 1-based): chr10:62,090,902, G>A. VCF-style: chr10-62090902-G-A. GRCh37 (hg19) VCF-style: chr10-63850661-G-A.
Other names: c.710G>A, p.Ser237Asn (NM_001244638.2); short protein forms S237N, S480N.
Identifiers: ClinVar variation 4981577 (VCV004981577.1).

ClinVar aggregate classification (germline): Likely benign (1 of 4 stars; one submission).

Conditions:
ARID5B-related disorder. Also called: ARID5B-related condition.

gnomAD v4.1: 1,984 of 1,599,566 alleles (0.12%); highest among the groups gnomAD compares: Non-Finnish European, 0.15%; 1 homozygote.

Submission:

PreventionGenetics, part of Exact Sciences
Classification: Likely benign for ARID5B-related condition. Last evaluated: 2026-06-10. Review status: criteria provided, single submitter. Criteria: ACMG Guidelines, 2015. Collection method: clinical testing. Allele origin: germline.
Comment: This variant is classified as likely benign based on ACMG/AMP sequence variant interpretation guidelines (Richards et al. 2015 PMID: 25741868, with internal and published modifications).